The following is an entry in ClinVar:

NM_001458.5(FLNC):c.4513T>C (p.Tyr1505His)

Gene: FLNC (filamin C; plus strand). Cytogenetic location: 7q32.1.
Variant type: single nucleotide variant.
Coding change: c.4513T>C on transcript NM_001458.5 (MANE Select); coding-DNA position 4513, T replaced by C.
Protein change: p.Tyr1505His; replaces tyrosine 1505 with histidine.
Molecular consequence: missense variant.
Genome position (GRCh38, 1-based): chr7:128,848,001, T>C. VCF-style: chr7-128848001-T-C. GRCh37 (hg19) VCF-style: chr7-128488055-T-C.
Other names: c.4513T>C, p.Tyr1505His (NM_001127487.2); short protein forms Y1505H.
Identifiers: ClinVar variation 939433 (VCV000939433.11), dbSNP rs761352737, ClinGen allele CA4475365.

ClinVar aggregate classification (germline): Conflicting classifications of pathogenicity. Review status: criteria provided, conflicting classifications (1 of 4 stars). 3 submissions from 3 submitters: Uncertain significance (2); Likely benign (1). Last evaluated 2025-12-13.

Conditions:
Myofibrillar myopathy 5. Also called: FILAMINOPATHY, AUTOSOMAL DOMINANT; Filaminopathy (type). Identifiers: Orphanet 171445, MedGen C1836050, MONDO:0012289, OMIM 609524.
Distal myopathy with posterior leg and anterior hand involvement. Also called: WILLIAMS DISTAL MYOPATHY. Identifiers: Orphanet 63273, MedGen C3279722, MONDO:0013550, OMIM 614065.
Hypertrophic cardiomyopathy 26. Also called: Cardiomyopathy, familial hypertrophic, 26. Identifiers: Orphanet 75249, MedGen C4310749, MONDO:0014883, OMIM 617047.
Cardiovascular phenotype. Identifiers: MedGen CN230736.

Allele frequency attached by ClinVar (database versions not stated): TOPMed below 0.00001; ExAC 0.00001; gnomAD exomes 0.00001 and 0.00002.
gnomAD v4.1: 4 of 1,608,838 alleles (0.00025%); highest among the groups gnomAD compares: Admixed American, 0.0067%; no homozygotes.

Submissions (3):

Labcorp Genetics (formerly Invitae), Labcorp
Classification: Likely benign for Distal myopathy with posterior leg and anterior hand involvement; Myofibrillar myopathy 5; Hypertrophic cardiomyopathy 26. Last evaluated: 2025-12-13. Review status: criteria provided, single submitter. Criteria: Invitae Variant Classification Sherloc (09022015). Collection method: clinical testing. Allele origin: germline.

GeneDx
Classification: Uncertain significance. Last evaluated: 2024-03-12. Review status: criteria provided, single submitter. Criteria: GeneDx Variant Classification Process June 2021. Collection method: clinical testing. Allele origin: germline. Affected: yes.
Comment: Has not been previously published as pathogenic or benign to our knowledge; In silico analysis supports that this missense variant has a deleterious effect on protein structure/function

Ambry Genetics
Classification: Uncertain significance for Cardiovascular phenotype. Last evaluated: 2020-03-05. Review status: criteria provided, single submitter. Criteria: Ambry Variant Classification Scheme 2023. Collection method: clinical testing. Allele origin: germline.
Comment: The p.Y1505H variant (also known as c.4513T>C), located in coding exon 26 of the FLNC gene, results from a T to C substitution at nucleotide position 4513. The tyrosine at codon 1505 is replaced by histidine, an amino acid with similar properties. This amino acid position is highly conserved in available vertebrate species. In addition, this alteration is predicted to be deleterious by in silico analysis. Since supporting evidence is limited at this time, the clinical significance of this alteration remains unclear.